The following is an entry in ClinVar:

NM_024334.3(TMEM43):c.865G>A (p.Gly289Arg)

Gene: TMEM43 (transmembrane protein 43; plus strand). Cytogenetic location: 3p25.1.
Variant type: single nucleotide variant.
Coding change: c.865G>A on transcript NM_024334.3 (MANE Select); coding-DNA position 865, G replaced by A.
Protein change: p.Gly289Arg; replaces glycine 289 with arginine.
Molecular consequence: missense variant.
Genome position (GRCh38, 1-based): chr3:14,135,891, G>A. VCF-style: chr3-14135891-G-A. GRCh37 (hg19) VCF-style: chr3-14177391-G-A.
Other names: p.Gly289Arg; short protein forms G289R.
Identifiers: ClinVar variation 180545 (VCV000180545.22), dbSNP rs730880226, ClinGen allele CA024782.

ClinVar aggregate classification (germline): Conflicting classifications of pathogenicity. Review status: criteria provided, conflicting classifications (1 of 4 stars). 8 submissions from 8 submitters: Uncertain significance (7); Likely benign (1). Last evaluated 2026-01-21.

Conditions:
TMEM43-related disorder. Also called: TMEM43-related condition.
Arrhythmogenic right ventricular dysplasia 5. Also called: Arrhythmogenic Right Ventricular Dysplasia/Cardiomyopathy 5; ARRHYTHMOGENIC RIGHT VENTRICULAR DYSPLASIA, FAMILIAL, 5. Identifiers: MedGen C1858379, MONDO:0011459, OMIM 604400.
Emery-Dreifuss muscular dystrophy 7, autosomal dominant (EDMD7). Also called: Emery-Dreifuss muscular dystrophy 7, AD. Identifiers: Orphanet 261, MedGen C3553060, MONDO:0013677, OMIM 614302.
Auditory neuropathy, autosomal dominant 3 (AUNA3). Identifiers: MedGen C5676964, MONDO:0859235, OMIM 619832.
Cardiovascular phenotype. Identifiers: MedGen CN230736.
Cardiomyopathy (CMYO). Also called: Cardiomyopathies. Identifiers: Orphanet 167848, MedGen C0878544, MONDO:0004994, HP:0001638. Inheritance: Various modes of inheritance.

Allele frequency attached by ClinVar (database versions not stated): TOPMed 0.00002; gnomAD 0.00008 and 0.00009; gnomAD exomes 0.00008; ExAC 0.00012.
gnomAD v4.1: 80 of 1,613,888 alleles (0.005%); highest among the groups gnomAD compares: East Asian, 0.018%; no homozygotes.

Submissions (8):

Labcorp Genetics (formerly Invitae), Labcorp
Classification: Uncertain significance for Arrhythmogenic right ventricular dysplasia 5. Last evaluated: 2026-01-21. Review status: criteria provided, single submitter. Criteria: Invitae Variant Classification Sherloc (09022015). Collection method: clinical testing. Allele origin: germline.
Comment: This sequence change replaces glycine, which is neutral and non-polar, with arginine, which is basic and polar, at codon 289 of the TMEM43 protein (p.Gly289Arg). This variant is present in population databases (rs730880226, gnomAD 0.03%). This missense change has been observed in individual(s) with primary fibrotic atrial cardiomyopathy (PMID: 35063694). ClinVar contains an entry for this variant (Variation ID: 180545). Invitae Evidence Modeling of protein sequence and biophysical properties (such as structural, functional, and spatial information, amino acid conservation, physicochemical variation, residue mobility, and thermodynamic stability) indicates that this missense variant is not expected to disrupt TMEM43 protein function with a negative predictive value of 80%. In summary, the available evidence is currently insufficient to determine the role of this variant in disease. Therefore, it has been classified as a Variant of Uncertain Significance.

PreventionGenetics, part of Exact Sciences
Classification: Uncertain significance for TMEM43-related condition. Last evaluated: 2026-01-07. Review status: criteria provided, single submitter. Criteria: ACMG Guidelines, 2015. Collection method: clinical testing. Allele origin: germline.
Comment: The TMEM43 c.865G>A variant is predicted to result in the amino acid substitution p.Gly289Arg. This variant was reported in an individual with arrhythmogenic right ventricular cardiomyopathy (Table S2, Lin et al. 2019. PubMed ID: 30699244) and in an stillbirth (Table S2, Sahlin et al. 2019. PubMed ID: 30615648). This variant is reported in 0.025% of alleles in individuals of East Asian descent in gnomAD, which may be too high for variant causative in autosomal dominant disorder. At this time, the clinical significance of this variant is uncertain due to the absence of conclusive functional and genetic evidence.

Ambry Genetics
Classification: Uncertain significance for Cardiovascular phenotype. Last evaluated: 2025-04-22. Review status: criteria provided, single submitter. Criteria: Ambry Variant Classification Scheme 2023. Collection method: clinical testing. Allele origin: germline.
Comment: The p.G289R variant (also known as c.865G>A), located in coding exon 10 of the TMEM43 gene, results from a G to A substitution at nucleotide position 865. The glycine at codon 289 is replaced by arginine, an amino acid with dissimilar properties. This variant has been reported in stillbirth, arrhythmogenic right ventricular cardiomyopathy (ARVC) and cardiomyopathy cohorts (Lin CY et al. J Cardiovasc Electrophysiol, 2019 Apr;30:582-592; Sahlin E et al. PLoS One, 2019 Jan;14:e0210017; Zhu Y et al. Eur J Med Genet, 2022 Mar;65:104429). This amino acid position is well conserved in available vertebrate species. In addition, the in silico prediction for this alteration is inconclusive. Based on the available evidence, the clinical significance of this variant remains unclear.

Mayo Clinic Laboratories, Mayo Clinic
Classification: Uncertain significance. Last evaluated: 2025-02-05. Review status: criteria provided, single submitter. Criteria: ACMG Guidelines, 2015. Collection method: clinical testing. Allele origin: germline. Observed: 1 variant allele.
Comment: BS2

Blueprint Genetics
Classification: Likely benign. Last evaluated: 2024-10-08. Review status: criteria provided, single submitter. Criteria: ACMG Guidelines, 2015. Collection method: clinical testing. Allele origin: germline.

All of Us Research Program, National Institutes of Health
Classification: Uncertain significance for Arrhythmogenic right ventricular dysplasia 5. Last evaluated: 2024-08-30. Review status: criteria provided, single submitter. Criteria: ACMG Guidelines, 2015. Collection method: clinical testing. Allele origin: germline. Inheritance: Autosomal dominant inheritance. Observed: 15 variant alleles, 15 heterozygotes.
Comment: This missense variant replaces glycine with arginine at codon 289 of the TMEM43 protein. Computational prediction is inconclusive regarding the impact of this variant on protein structure and function (internally defined REVEL score threshold 0.5 < inconclusive < 0.7, PMID: 27666373). To our knowledge, functional studies have not been reported for this variant. This variant has not been reported in individuals affected with TMEM43-related disorders in the literature. This variant has been identified in 34/281678 chromosomes in the general population by the Genome Aggregation Database (gnomAD). The available evidence is insufficient to determine the role of this variant in disease conclusively. Therefore, this variant is classified as a Variant of Uncertain Significance.

This study involves interpretation of variants in research participants for the purpose of population health screening. Participant phenotype was not available at the time of variant classification. Additional details can be found in publication PMID: 35346344, PMCID: PMC8962531

Color Diagnostics, LLC DBA Color Health
Classification: Uncertain significance for Cardiomyopathy. Last evaluated: 2024-06-14. Review status: criteria provided, single submitter. Criteria: ACMG Guidelines, 2015. Collection method: clinical testing. Allele origin: germline.
Comment: This missense variant replaces glycine with arginine at codon 289 of the TMEM43 protein. Computational prediction is inconclusive regarding the impact of this variant on protein structure and function (internally defined REVEL score threshold 0.5 < inconclusive < 0.7, PMID: 27666373). To our knowledge, functional studies have not been reported for this variant. This variant has not been reported in individuals affected with TMEM43-related disorders in the literature. This variant has been identified in 34/281678 chromosomes in the general population by the Genome Aggregation Database (gnomAD). The available evidence is insufficient to determine the role of this variant in disease conclusively. Therefore, this variant is classified as a Variant of Uncertain Significance.

Fulgent Genetics
Classification: Uncertain significance for Arrhythmogenic right ventricular dysplasia 5; Emery-Dreifuss muscular dystrophy 7, autosomal dominant; Auditory neuropathy, autosomal dominant 3. Last evaluated: 2021-08-10. Review status: criteria provided, single submitter. Criteria: ACMG Guidelines, 2015. Collection method: clinical testing. Allele origin: unknown.

Literature cited by the submitters: PubMed 35063694 (cited by 3 submitters); PubMed 30615648 (cited by Ambry Genetics); PubMed 30699244 (cited by Ambry Genetics).